The following is an entry in ClinVar:

NM_032590.5(KDM2B):c.1483A>G (p.Thr495Ala)

Gene: KDM2B (lysine demethylase 2B; minus strand). Cytogenetic location: 12q24.31.
Variant type: single nucleotide variant.
Coding change: c.1483A>G on transcript NM_032590.5 (MANE Select); coding-DNA position 1483, A replaced by G.
Protein change: p.Thr495Ala; replaces threonine 495 with alanine.
Molecular consequence: missense variant.
Genome position (GRCh38, 1-based): chr12:121,509,731, T>C on the plus strand (A>G on the coding strand, the complement: KDM2B is on the minus strand). VCF-style: chr12-121509731-T-C. GRCh37 (hg19) VCF-style: chr12-121947534-T-C.
Other names: c.1390A>G, p.Thr464Ala (NM_001005366.2); short protein forms T464A, T495A.
Identifiers: ClinVar variation 3375655 (VCV003375655.2).
Genomic context (GRCh38, chr12:121,509,731, plus strand): 5'-TCAGTTCAAACTCAGTGAGATGGGTCCATTTGGCAGAGACCTCCGTGGCGGGAGAGCCGG[T>C]GGGGGTCTTGGGGTAGTCTACGGCCAATGTGGTGGACTTCACACTTTCCTCCGACTCATT-3'
Protein context (NP_115979.3, residues 485-505): TLAVDYPKTP[Thr495Ala]GSPATEVSAK

ClinVar aggregate classification (germline): Uncertain significance (1 of 4 stars; one submission).

Submission:

GeneDx
Classification: Uncertain significance. Last evaluated: 2025-02-27. Review status: criteria provided, single submitter. Criteria: GeneDx Variant Classification Process June 2021. Collection method: clinical testing. Allele origin: germline.
Comment: Not observed at significant frequency in large population cohorts (gnomAD); In silico analysis indicates that this missense variant does not alter protein structure/function; Has not been previously published as pathogenic or benign to our knowledge